The following is an entry in ClinVar:

ClinVar aggregate classification (germline): Pathogenic. Review status: criteria provided, single submitter (1 of 4 stars). 2 submissions from 2 submitters: Pathogenic (1). 1 of the submissions does not count toward it. Last evaluated 2023-10-22.

Conditions:
MYO3A-related disorder. Also called: MYO3A-related condition.

Submissions (2):

Labcorp Genetics (formerly Invitae), Labcorp
Classification: Pathogenic. Last evaluated: 2023-10-22. Review status: criteria provided, single submitter. Criteria: Invitae Variant Classification Sherloc (09022015). Collection method: clinical testing. Allele origin: germline.
Comment: This sequence change creates a premature translational stop signal (p.Asn1447Lysfs*2) in the MYO3A gene. It is expected to result in an absent or disrupted protein product. Loss-of-function variants in MYO3A are known to be pathogenic (PMID: 12032315, 23990876). This variant is present in population databases (rs760255753, gnomAD 0.0009%). This variant has not been reported in the literature in individuals affected with MYO3A-related conditions. Algorithms developed to predict the effect of sequence changes on RNA splicing suggest that this variant may disrupt the consensus splice site. For these reasons, this variant has been classified as Pathogenic.

PreventionGenetics, part of Exact Sciences
Classification: Likely pathogenic for MYO3A-related condition. Last evaluated: 2023-12-04. Review status: no assertion criteria provided. Collection method: clinical testing. Allele origin: germline. Not counted in ClinVar's aggregate classification.
Comment: The MYO3A c.4341_4344delTGAA variant is predicted to result in a frameshift and premature protein termination (p.Asn1447Lysfs*2). To our knowledge, this variant has not been reported in the literature. This variant is reported in 0.00088% of alleles in individuals of European (Non-Finnish) descent in gnomAD. Frameshift variants in MYO3A are expected to be pathogenic. This variant is interpreted as likely pathogenic.

Literature cited by the submitters: PubMed 12032315 (cited by Labcorp Genetics (formerly Invitae), Labcorp); PubMed 23990876 (cited by Labcorp Genetics (formerly Invitae), Labcorp).

NM_017433.5(MYO3A):c.4341_4344del (p.Asn1447fs)

Gene: MYO3A (myosin IIIA; plus strand). Cytogenetic location: 10p12.1.
Variant type: Microsatellite.
Coding change: c.4341_4344del on transcript NM_017433.5 (MANE Select); coding-DNA positions 4341 to 4344, 4 bases deleted (TGAA; older notation c.4341_4344delTGAA).
Protein change: p.Asn1447fs; shifts the reading frame from asparagine 1447.
Molecular consequence: frameshift variant.
Genome position (GRCh38, 1-based): chr10:26,176,748-26,176,751, TGAA deleted; deleting any 4 consecutive bases within chr10:26,176,744-26,176,751 gives the same sequence; the c. name uses the placement nearest the transcript's 3' end. VCF-style (leftmost placement, unchanged base first): chr10-26176743-TTGAA-T. GRCh37 (hg19) VCF-style: chr10-26465672-TTGAA-T.
Other names: c.4341_4344delTGAA (NM_017433.4); short protein forms N1447fs.
Identifiers: ClinVar variation 3010518 (VCV003010518.5), dbSNP rs760255753, ClinGen allele CA5445433.